The following is an entry in ClinVar:

NM_005045.4(RELN):c.10352G>T (p.Arg3451Ile)

Genes: SLC26A5-AS1 (SLC26A5 antisense RNA 1; plus strand), RELN (reelin; minus strand). Cytogenetic location: 7q22.1.
Variant type: single nucleotide variant.
Coding change: c.10352G>T on transcript NM_005045.4 (MANE Select); coding-DNA position 10352, G replaced by T.
Protein change: p.Arg3451Ile; replaces arginine 3451 with isoleucine.
Molecular consequence: missense variant.
Genome position (GRCh38, 1-based): chr7:103,472,843, C>A on the plus strand (G>T on the coding strand, the complement: RELN is on the minus strand). VCF-style: chr7-103472843-C-A. GRCh37 (hg19) VCF-style: chr7-103113290-C-A.
Other names: c.10346G>T, p.Arg3449Ile (NM_173054.3); short protein forms R3451I, R3449I.
Identifiers: ClinVar variation 1467018 (VCV001467018.6), dbSNP rs2116945728, ClinGen allele CA368755576.

ClinVar aggregate classification (germline): Uncertain significance (1 of 4 stars; one submission).

Conditions:
Norman-Roberts syndrome (LIS2). Also called: Lissencephaly 2 (Norman-Roberts type). Identifiers: Orphanet 89844, MedGen C0796089, MONDO:0009760, OMIM 257320.
Familial temporal lobe epilepsy 7. Identifiers: Orphanet 101046, MedGen C4225327, MONDO:0014639, OMIM 616436.

Submission:

Labcorp Genetics (formerly Invitae), Labcorp
Classification: Uncertain significance for Familial temporal lobe epilepsy 7; Norman-Roberts syndrome. Last evaluated: 2025-06-04. Review status: criteria provided, single submitter. Criteria: Invitae Variant Classification Sherloc (09022015). Collection method: clinical testing. Allele origin: germline.
Comment: This sequence change replaces arginine, which is basic and polar, with isoleucine, which is neutral and non-polar, at codon 3451 of the RELN protein (p.Arg3451Ile). This variant is not present in population databases (gnomAD no frequency). This variant has not been reported in the literature in individuals affected with RELN-related conditions. ClinVar contains an entry for this variant (Variation ID: 1467018). Invitae Evidence Modeling of protein sequence and biophysical properties (such as structural, functional, and spatial information, amino acid conservation, physicochemical variation, residue mobility, and thermodynamic stability) indicates that this missense variant is not expected to disrupt RELN protein function with a negative predictive value of 80%. Algorithms developed to predict the effect of sequence changes on RNA splicing suggest that this variant may disrupt the consensus splice site. In summary, the available evidence is currently insufficient to determine the role of this variant in disease. Therefore, it has been classified as a Variant of Uncertain Significance.